The following is an entry in ClinVar:

ClinVar aggregate classification (germline): Uncertain significance (1 of 4 stars; one submission).

Conditions:
Congenital myasthenic syndrome 18. Also called: MYASTHENIC SYNDROME, CONGENITAL, 18, WITH INTELLECTUAL DISABILITY AND ATAXIA. Identifiers: Orphanet 590, MedGen C4225364, MONDO:0014590, OMIM 616330.

Allele frequency attached by ClinVar (database versions not stated): gnomAD exomes below 0.00001; gnomAD 0.00002.
gnomAD v4.1: 3 of 1,613,344 alleles (0.00019%); highest among the groups gnomAD compares: African/African-American, 0.004%; no homozygotes.

Submission:

Labcorp Genetics (formerly Invitae), Labcorp
Classification: Uncertain significance for Congenital myasthenic syndrome 18. Last evaluated: 2021-07-14. Review status: criteria provided, single submitter. Criteria: Invitae Variant Classification Sherloc (09022015). Collection method: clinical testing. Allele origin: germline.
Comment: In summary, the available evidence is currently insufficient to determine the role of this variant in disease. Therefore, it has been classified as a Variant of Uncertain Significance. Nucleotide substitutions within the consensus splice site are a relatively common cause of aberrant splicing (PMID: 17576681, 9536098). Algorithms developed to predict the effect of sequence changes on RNA splicing suggest that this variant is not likely to affect RNA splicing. This variant has not been reported in the literature in individuals affected with SNAP25-related conditions. This variant is not present in population databases (ExAC no frequency). This sequence change falls in intron 6 of the SNAP25 gene. It does not directly change the encoded amino acid sequence of the SNAP25 protein. It affects a nucleotide within the consensus splice site of the intron.

Literature cited by the submitters: PubMed 17576681; PubMed 9536098.

NM_130811.4(SNAP25):c.408-3C>T

Gene: SNAP25 (synaptosome associated protein 25; plus strand). Cytogenetic location: 20p12.2.
Variant type: single nucleotide variant.
Coding change: c.408-3C>T on transcript NM_130811.4 (MANE Select); 3 bases into the intron before coding-DNA position 408, C replaced by T.
Molecular consequence: intron variant.
Genome position (GRCh38, 1-based): chr20:10,299,265, C>T. VCF-style: chr20-10299265-C-T. GRCh37 (hg19) VCF-style: chr20-10279913-C-T.
Other names: c.408-3C>T (NM_001322907.2, NM_001322910.2, NM_001322904.2 and 7 more transcripts).
Identifiers: ClinVar variation 1367384 (VCV001367384.6), dbSNP rs1385382718, ClinGen allele CA634608514.
Genomic context (GRCh38, chr20:10,299,265, plus strand): 5'-GGTCCTTGGTATTCAATATGTTTTCCACCCTCTGTCTTCTAAAACTTGCTCTTTGGATCC[C>T]AGGGTAACAAATGATGCCCGAGAAAATGAAATGGATGAAAACCTAGAGCAGGTGAGCGGC-3'